The following is an entry in ClinVar:

ClinVar aggregate classification (germline): Uncertain significance. Review status: criteria provided, multiple submitters, no conflicts (2 of 4 stars). 2 submissions from 2 submitters: Uncertain significance (2). Last evaluated 2026-04-17.

Conditions:
Hereditary cancer-predisposing syndrome. Also called: Hereditary Cancer Syndrome; Tumor predisposition; Hereditary neoplastic syndrome; Neoplastic Syndromes, Hereditary. Identifiers: Orphanet 140162, MedGen C0027672, MeSH D009386, MONDO:0015356.

Submissions (2):

Ambry Genetics
Classification: Uncertain significance for Hereditary cancer-predisposing syndrome. Last evaluated: 2026-04-17. Review status: criteria provided, single submitter. Criteria: Ambry Variant Classification Scheme 2023. Collection method: clinical testing. Allele origin: germline.
Comment: The p.P286S variant (also known as c.856C>T), located in coding exon 9 of the POLE gene, results from a C to T substitution at nucleotide position 856. The proline at codon 286 is replaced by serine, an amino acid with similar properties. This amino acid position is highly conserved in available vertebrate species. In addition, this alteration is predicted to be deleterious by in silico analysis. Based on the available evidence, the clinical significance of this variant remains unclear.

Labcorp Genetics (formerly Invitae), Labcorp
Classification: Uncertain significance. Last evaluated: 2024-03-23. Review status: criteria provided, single submitter. Criteria: Invitae Variant Classification Sherloc (09022015). Collection method: clinical testing. Allele origin: germline.
Comment: This sequence change replaces proline, which is neutral and non-polar, with serine, which is neutral and polar, at codon 286 of the POLE protein (p.Pro286Ser). This variant is not present in population databases (gnomAD no frequency). This variant has not been reported in the literature in individuals affected with POLE-related conditions. ClinVar contains an entry for this variant (Variation ID: 376501). Advanced modeling of protein sequence and biophysical properties (such as structural, functional, and spatial information, amino acid conservation, physicochemical variation, residue mobility, and thermodynamic stability) performed at Invitae indicates that this missense variant is expected to disrupt POLE protein function with a positive predictive value of 80%. This variant disrupts the p.Pro286 amino acid residue in POLE. Other variant(s) that disrupt this residue have been determined to be pathogenic (PMID: 32424176). This suggests that this residue is clinically significant, and that variants that disrupt this residue are likely to be disease-causing. In summary, the available evidence is currently insufficient to determine the role of this variant in disease. Therefore, it has been classified as a Variant of Uncertain Significance.

Literature cited by the submitters: PubMed 32424176 (cited by Labcorp Genetics (formerly Invitae), Labcorp).

NM_006231.4(POLE):c.856C>T (p.Pro286Ser)

Gene: POLE (DNA polymerase epsilon, catalytic subunit; minus strand). Cytogenetic location: 12q24.33.
Variant type: single nucleotide variant.
Coding change: c.856C>T on transcript NM_006231.4 (MANE Select); coding-DNA position 856, C replaced by T.
Protein change: p.Pro286Ser; replaces proline 286 with serine.
Molecular consequence: missense variant.
Genome position (GRCh38, 1-based): chr12:132,676,599, G>A on the plus strand (C>T on the coding strand, the complement: POLE is on the minus strand). VCF-style: chr12-132676599-G-A. GRCh37 (hg19) VCF-style: chr12-133253185-G-A.
Other names: c.856C>T (NM_006231.2); short protein forms P286S.
Identifiers: ClinVar variation 376501 (VCV000376501.5), dbSNP rs1057519944, ClinGen allele CA16602933.
Genomic context (GRCh38, chr12:132,676,599, plus strand): 5'-TGCTCACCTGGCCATCGATCATGTAGGAAATCATCATAATCTGGTCTGTCTCAGCATCAG[G>A]AAACTTGAGGGGCAGTTTGGTCGTCTCAATGTCAAATGCCAAAACCACAGGGTCCTGTGG-3'
Protein context (NP_006222.2, residues 276-296): IETTKLPLKF[Pro286Ser]DAETDQIMMI